The following is an entry in ClinVar:

NM_000193.4(SHH):c.206A>T (p.Asn69Ile)

Gene: SHH (sonic hedgehog signaling molecule; minus strand). Cytogenetic location: 7q36.3.
Variant type: single nucleotide variant.
Coding change: c.206A>T on transcript NM_000193.4 (MANE Select); coding-DNA position 206, A replaced by T.
Protein change: p.Asn69Ile; replaces asparagine 69 with isoleucine.
Molecular consequence: missense variant.
Genome position (GRCh38, 1-based): chr7:155,811,917, T>A on the plus strand (A>T on the coding strand, the complement: SHH is on the minus strand). VCF-style: chr7-155811917-T-A. GRCh37 (hg19) VCF-style: chr7-155604611-T-A.
Other names: short protein forms N69I.
Identifiers: ClinVar variation 1803008 (VCV001803008.2), dbSNP rs777486607, ClinGen allele CA4587082.

ClinVar aggregate classification (germline): Likely pathogenic (0 of 4 stars; one submission).

Conditions:
Autism (AUTS). Also called: Autistic disorder of childhood onset; Autistic disorder. Identifiers: MedGen C0004352, MeSH D001321, MONDO:0005260, OMIM 209850, HP:0000717.

Allele frequency attached by ClinVar (database versions not stated): ExAC 0.00002.
gnomAD v4.1: 21 of 1,613,928 alleles (0.0013%); highest among the groups gnomAD compares: South Asian, 0.022%; no homozygotes.

Submission:

Centre for Addiction & Mental Health
Classification: Likely pathogenic for Autism. Last evaluated: 2022-04-02. Review status: no assertion criteria provided. Collection method: research. Allele origin: biparental. Inheritance: Autosomal recessive inheritance. Affected: yes. Observed: 1 homozygote.
Comment: The variant was inherited from heterozygous parents, and is present at very low frequency in control populations, minor allele frequency (MAF) =2.39E-06; South Asian MAF= 1.96E-04), but no homozygotes are reported (gnomAD). Functional predictions for deleteriousness using nine of the most common prediction tools, provided through dbFNSP, give SIFT_4G score: 0.001 (deleterious), Polyphen2_HumVar score: 0,0762 (possibly damaging), MutationTaster score: 0.999954 (deleterious), Mutation Assessor rank score: 0.46772 (low), PROVEAN rank score: 0.86686 (deleterious), MetaSVM rank score: 0.98994 (deleterious), MetaLR rank score: 0.99010 (deleterious), REVEL rank score 0.9628 (deleterious), PrimateAI rank score (deleterious). Thus, of the algorithms utilized, only MutationAssessor did not predict Asn69Ile as damaging. 3D in silico analysis of the SHH structure predicts reduced stability, along with reduced binding with interacting protein HHIP (Muhammad et al, submitted).